The following is an entry in ClinVar:

NM_182641.4(BPTF):c.5783T>C (p.Ile1928Thr)

Gene: BPTF (bromodomain PHD finger transcription factor; plus strand). Cytogenetic location: 17q24.2.
Variant type: single nucleotide variant.
Coding change: c.5783T>C on transcript NM_182641.4 (MANE Select); coding-DNA position 5783, T replaced by C.
Protein change: p.Ile1928Thr; replaces isoleucine 1928 with threonine.
Molecular consequence: missense variant.
Genome position (GRCh38, 1-based): chr17:67,928,386, T>C. VCF-style: chr17-67928386-T-C. GRCh37 (hg19) VCF-style: chr17-65924502-T-C.
Other names: c.6161T>C, p.Ile2054Thr (NM_004459.7); short protein forms I1928T, I2054T.
Identifiers: ClinVar variation 2372083 (VCV002372083.5), dbSNP rs145536461, ClinGen allele CA8726039.
Genomic context (GRCh38, chr17:67,928,386, plus strand): 5'-TTCATGTTTCCTCTCCTTCACTTTTTTAGAAACGACTGGAGCAGCAGAAGCCGACAGTGA[T>C]TGCAACTTCCACTACTTCCCCAACAAGCAGTACAACCAGCACCATCTCTCCAGCACAGAA-3'
Protein context (NP_872579.2, residues 1918-1938): KRLEQQKPTV[Ile1928Thr]ATSTTSPTSS

ClinVar aggregate classification (germline): Conflicting classifications of pathogenicity. Review status: criteria provided, conflicting classifications (1 of 4 stars). 2 submissions from 2 submitters: Uncertain significance (1); Likely benign (1). Last evaluated 2024-12-24.

Conditions:
Inborn genetic diseases. Identifiers: MedGen C0950123, MeSH D030342.

Allele frequency attached by ClinVar (database versions not stated): gnomAD exomes 0.00001; gnomAD 0.00004; TOPMed 0.00006; ExAC 0.00007; ESP Exome Variant Server 0.00008.
gnomAD v4.1: 50 of 1,613,464 alleles (0.0031%); highest among the groups gnomAD compares: East Asian, 0.038%; no homozygotes.

Submissions (2):

Labcorp Genetics (formerly Invitae), Labcorp
Classification: Uncertain significance. Last evaluated: 2024-12-24. Review status: criteria provided, single submitter. Criteria: Invitae Variant Classification Sherloc (09022015). Collection method: clinical testing. Allele origin: germline.
Comment: This sequence change replaces isoleucine, which is neutral and non-polar, with threonine, which is neutral and polar, at codon 2054 of the BPTF protein (p.Ile2054Thr). This variant is present in population databases (rs145536461, gnomAD 0.06%). This variant has not been reported in the literature in individuals affected with BPTF-related conditions. ClinVar contains an entry for this variant (Variation ID: 2372083). An algorithm developed to predict the effect of missense changes on protein structure and function (PolyPhen-2) suggests that this variant is likely to be tolerated. In summary, the available evidence is currently insufficient to determine the role of this variant in disease. Therefore, it has been classified as a Variant of Uncertain Significance.

Ambry Genetics
Classification: Likely benign for Inborn genetic diseases. Last evaluated: 2022-05-25. Review status: criteria provided, single submitter. Criteria: Ambry Variant Classification Scheme 2023. Collection method: clinical testing. Allele origin: germline.